The following is an entry in ClinVar:

ClinVar aggregate classification (germline): Conflicting classifications of pathogenicity. Review status: criteria provided, conflicting classifications (1 of 4 stars). 4 submissions from 4 submitters: Uncertain significance (3); Likely benign (1). Last evaluated 2026-01-26.

Conditions:
Ellis-van Creveld syndrome (EVC). Also called: EVC-Related Ellis-van Creveld Syndrome; EVC2-Related Ellis-van Creveld Syndrome; MESOECTODERMAL DYSPLASIA; Chondroectodermal dysplasia. Identifiers: Orphanet 289, MedGen C0013903, MONDO:0009162, OMIM 225500.
Inborn genetic diseases. Identifiers: MedGen C0950123, MeSH D030342.
Curry-Hall syndrome (WAD). Also called: WEYERS ACRODENTAL DYSOSTOSIS. Identifiers: Orphanet 952, MedGen C0457013, MONDO:0008673, OMIM 193530.

Allele frequency attached by ClinVar (database versions not stated): gnomAD exomes 0.00006 and 0.00016; gnomAD 0.00008 and 0.00009; TOPMed 0.00011; ExAC 0.00048.
gnomAD v4.1: 107 of 1,562,628 alleles (0.0068%); highest among the groups gnomAD compares: Middle Eastern, 0.021%; no homozygotes.

Submissions (4):

Labcorp Genetics (formerly Invitae), Labcorp
Classification: Likely benign for Curry-Hall syndrome; Ellis-van Creveld syndrome. Last evaluated: 2026-01-26. Review status: criteria provided, single submitter. Criteria: Invitae Variant Classification Sherloc (09022015). Collection method: clinical testing. Allele origin: germline.

Women's Health and Genetics/Laboratory Corporation of America, LabCorp
Classification: Uncertain significance. Last evaluated: 2025-10-27. Review status: criteria provided, single submitter. Criteria: LabCorp Variant Classification Summary - May 2015. Collection method: clinical testing. Allele origin: germline.
Comment: Variant summary: EVC c.2102C>T (p.Ala701Val) results in a non-conservative amino acid change in the encoded protein sequence. Algorithms developed to predict the effect of missense changes on protein structure and function are either unavailable or do not agree on the potential impact of this missense change. The variant allele was found at a frequency of 0.00016 in 170078 control chromosomes. This frequency is not significantly higher than estimated for disease-causing variants in EVC, allowing no conclusion about variant significance. To our knowledge, no occurrence of c.2102C>T in individuals affected with EVC-related conditions and no experimental evidence demonstrating its impact on protein function have been reported. ClinVar contains an entry for this variant (Variation ID: 349193). Based on the evidence outlined above, the variant was classified as uncertain significance.

Ambry Genetics
Classification: Uncertain significance for Inborn genetic diseases. Last evaluated: 2022-04-07. Review status: criteria provided, single submitter. Criteria: Ambry Variant Classification Scheme 2023. Collection method: clinical testing. Allele origin: germline.

Illumina Laboratory Services, Illumina
Classification: Uncertain significance for Ellis-van Creveld syndrome. Last evaluated: 2018-01-13. Review status: criteria provided, single submitter. Criteria: ICSL Variant Classification Criteria 13 December 2019. Collection method: clinical testing. Allele origin: germline.

NM_153717.3(EVC):c.2102C>T (p.Ala701Val)

Gene: EVC (EvC ciliary complex subunit 1; plus strand). Cytogenetic location: 4p16.2.
Variant type: single nucleotide variant.
Coding change: c.2102C>T on transcript NM_153717.3 (MANE Select); coding-DNA position 2102, C replaced by T.
Protein change: p.Ala701Val; replaces alanine 701 with valine.
Molecular consequence: missense variant.
Genome position (GRCh38, 1-based): chr4:5,798,590, C>T. VCF-style: chr4-5798590-C-T. GRCh37 (hg19) VCF-style: chr4-5800317-C-T.
Other names: c.2102C>T, p.Ala701Val (NM_001306090.2); short protein forms A701V.
Identifiers: ClinVar variation 349193 (VCV000349193.12), dbSNP rs571809727, ClinGen allele CA2836389.